The following is an entry in ClinVar:

NM_152564.5(VPS13B):c.1225G>T (p.Glu409Ter)

Gene: VPS13B (vacuolar protein sorting 13 homolog B; plus strand). Cytogenetic location: 8q22.2.
Variant type: single nucleotide variant.
Coding change: c.1225G>T on transcript NM_152564.5 (MANE Select); coding-DNA position 1225, G replaced by T.
Protein change: p.Glu409Ter; replaces glutamic acid 409 with a stop codon.
Molecular consequence: nonsense.
Genome position (GRCh38, 1-based): chr8:99,134,650, G>T. VCF-style: chr8-99134650-G-T. GRCh37 (hg19) VCF-style: chr8-100146878-G-T.
Other names: c.1225G>T, p.Glu409Ter (NM_015243.3, NM_017890.5); short protein forms E409*.
Identifiers: ClinVar variation 56646 (VCV000056646.7), dbSNP rs386834071, ClinGen allele CA264032.

ClinVar aggregate classification (germline): Pathogenic. Review status: criteria provided, multiple submitters, no conflicts (2 of 4 stars). 4 submissions from 4 submitters: Pathogenic (3). 1 of the submissions does not count toward it. Last evaluated 2021-09-15.

Conditions:
Cohen syndrome (COH1). Also called: Cutis verticis gyrata, retinitis pigmentosa, and sensorineural deafness; PEPPER SYNDROME. Identifiers: Orphanet 193, MedGen C0265223, MONDO:0008999, OMIM 216550.

Submissions (4):

Institute of Medical Genetics and Applied Genomics, University Hospital Tübingen
Classification: Pathogenic. Last evaluated: 2021-09-15. Review status: criteria provided, single submitter. Criteria: ACMG Guidelines, 2015. Collection method: clinical testing. Allele origin: germline. Inheritance: Autosomal recessive inheritance. Affected: yes.

GeneDx
Classification: Pathogenic. Last evaluated: 2018-03-15. Review status: criteria provided, single submitter. Criteria: GeneDx Variant Classification (06012015). Collection method: clinical testing. Allele origin: germline. Affected: yes.
Comment: The E409X pathogenic variant in the VPS13B gene has been reported previously in a Palestinian sibship with Cohen syndrome (Taban et al., 2007). This variant is predicted to cause loss of normal protein function either through protein truncation or nonsense-mediated mRNA decay. Furthermore, the E409X variant was not observed in approximately 6,500 individuals of European and African American ancestry in the NHLBI Exome Sequencing Project, indicating it is not a common benign variant in these populations. Therefore, we interpret E409X as a pathogenic variant.

Juno Genomics, Hangzhou Juno Genomics, Inc
Classification: Pathogenic for Cohen syndrome. Review status: criteria provided, single submitter. Criteria: ACMG Guidelines, 2015. Collection method: clinical testing. Allele origin: germline.
Comment: Null variant in a gene where loss of function (LOF) is a known mechanism of disease.;Absent from controls (or at extremely low frequency if recessive) in Genome Aggregation Database.;Patient's phenotype or family history is highly specific for a disease with a single genetic etiology.

Juha Muilu Group; Institute for Molecular Medicine Finland (FIMM)
Classification: Likely pathogenic for Cohen syndrome. Review status: no assertion criteria provided. Collection method: not provided. Allele origin: unknown. Not counted in ClinVar's aggregate classification.
Comment: FinDis database variant: This variant was not found or characterized by our laboratory, data were collected from public sources: see reference
ClinVar note: Converted during submission from probable-pathogenic to Likely pathogenic.